The following is an entry in ClinVar:

ClinVar aggregate classification (germline): Uncertain significance (1 of 4 stars; one submission).

Submission:

CeGaT Center for Human Genetics Tuebingen
Classification: Uncertain significance. Last evaluated: 2026-09-01. Review status: criteria provided, single submitter. Criteria: CeGaT Center For Human Genetics Tuebingen Variant Classification Criteria Version 2. Collection method: clinical testing. Allele origin: germline. Affected: yes. Observed: 1 variant allele.
Comment: L1CAM: PM2, BP4

NM_001278116.2(L1CAM):c.2597T>C (p.Ile866Thr)

Gene: L1CAM (L1 cell adhesion molecule; minus strand). Cytogenetic location: Xq28.
Variant type: single nucleotide variant.
Coding change: c.2597T>C on transcript NM_001278116.2 (MANE Select); coding-DNA position 2597, T replaced by C.
Protein change: p.Ile866Thr; replaces isoleucine 866 with threonine.
Molecular consequence: missense variant.
Genome position (GRCh38, 1-based): chrX:153,865,451, A>G on the plus strand (T>C on the coding strand, the complement: L1CAM is on the minus strand). VCF-style: chrX-153865451-A-G. GRCh37 (hg19) VCF-style: chrX-153130906-A-G.
Other names: c.2597T>C, p.Ile866Thr (NM_000425.5, NM_024003.3); c.2582T>C, p.Ile861Thr (NM_001143963.2); short protein forms I861T, I866T.
Identifiers: ClinVar variation 5041654 (VCV005041654.1).